The following is an entry in ClinVar:

ClinVar aggregate classification (germline): Uncertain significance. Review status: criteria provided, multiple submitters, no conflicts (2 of 4 stars). 4 submissions from 4 submitters: Uncertain significance (4). Last evaluated 2023-10-01.

Conditions:
Retinal dystrophy. Also called: Inherited retinal dystrophy. Identifiers: Orphanet 71862, MedGen C0854723, MeSH D058499, MONDO:0019118, HP:0000556.
Inborn genetic diseases. Identifiers: MedGen C0950123, MeSH D030342.

Allele frequency attached by ClinVar (database versions not stated): gnomAD 0.00002; gnomAD exomes 0.00003; ExAC 0.00008.

Submissions (4):

Dept Of Ophthalmology, Nagoya University
Classification: Uncertain significance for Retinal dystrophy. Last evaluated: 2023-10-01. Review status: criteria provided, single submitter. Criteria: Submitter's publication. Collection method: research. Allele origin: germline. Affected: yes.

Blueprint Genetics
Classification: Uncertain significance. Last evaluated: 2023-09-19. Review status: criteria provided, single submitter. Criteria: ACMG Guidelines, 2015. Collection method: clinical testing. Allele origin: germline.

Labcorp Genetics (formerly Invitae), Labcorp
Classification: Uncertain significance. Last evaluated: 2021-11-23. Review status: criteria provided, single submitter. Criteria: Invitae Variant Classification Sherloc (09022015). Collection method: clinical testing. Allele origin: germline.
Comment: This sequence change replaces arginine, which is basic and polar, with cysteine, which is neutral and slightly polar, at codon 674 of the RBP3 protein (p.Arg674Cys). This variant is present in population databases (rs782227889, gnomAD 0.02%). This variant has not been reported in the literature in individuals affected with RBP3-related conditions. Algorithms developed to predict the effect of missense changes on protein structure and function are either unavailable or do not agree on the potential impact of this missense change (SIFT: "Deleterious"; PolyPhen-2: "Possibly Damaging"; Align-GVGD: "Class C0"). In summary, the available evidence is currently insufficient to determine the role of this variant in disease. Therefore, it has been classified as a Variant of Uncertain Significance.

Ambry Genetics
Classification: Uncertain significance for Inborn genetic diseases. Last evaluated: 2021-08-17. Review status: criteria provided, single submitter. Criteria: Ambry Variant Classification Scheme 2023. Collection method: clinical testing. Allele origin: germline.

NM_002900.3(RBP3):c.2020C>T (p.Arg674Cys)

Gene: RBP3 (retinol binding protein 3; plus strand). Cytogenetic location: 10q11.22.
Variant type: single nucleotide variant.
Coding change: c.2020C>T on transcript NM_002900.3 (MANE Select); coding-DNA position 2020, C replaced by T.
Protein change: p.Arg674Cys; replaces arginine 674 with cysteine.
Molecular consequence: missense variant.
Genome position (GRCh38, 1-based): chr10:47,350,504, C>T. VCF-style: chr10-47350504-C-T. GRCh37 (hg19) VCF-style: chr10-48388858-G-A.
Other names: c.2020C>T (NM_002900.2); short protein forms R674C.
Identifiers: ClinVar variation 1479282 (VCV001479282.6), dbSNP rs782227889, ClinGen allele CA5487375.